The following is an entry in ClinVar:

NM_000532.5(PCCB):c.155_183+17del

Gene: PCCB (propionyl-CoA carboxylase subunit beta; plus strand). Cytogenetic location: 3q22.3.
Variant type: Deletion.
Coding change: c.155_183+17del on transcript NM_000532.5 (MANE Select); coding-DNA position 155 through 17 bases into the intron after coding-DNA position 183, 46 bases deleted.
Molecular consequence: splice donor variant.
Genome position (GRCh38, 1-based): chr3:136,250,530-136,250,575, 46 bases deleted; deleting any 46 consecutive bases within chr3:136,250,524-136,250,575 gives the same sequence; the c. name uses the placement nearest the transcript's 3' end. GRCh37 (hg19): chr3:135,969,372-135,969,417.
Other names: c.155_183+17del (NM_001178014.2).
Identifiers: ClinVar variation 987105 (VCV000987105.8), dbSNP rs1941483558, ClinGen allele CA1139658277.

ClinVar aggregate classification (germline): Pathogenic/Likely pathogenic. Review status: criteria provided, multiple submitters, no conflicts (2 of 4 stars). 4 submissions from 4 submitters: Pathogenic (3); Likely pathogenic (1). Last evaluated 2025-02-27.

Conditions:
Propionic acidemia (PROP). Also called: GLYCINEMIA, KETOTIC; HYPERGLYCINEMIA WITH KETOACIDOSIS AND LEUKOPENIA; KETOTIC HYPERGLYCINEMIA. Identifiers: Orphanet 35, MedGen C0268579, MONDO:0011628, OMIM 606054, HP:0003571.

Submissions (4):

Labcorp Genetics (formerly Invitae), Labcorp
Classification: Pathogenic for Propionic acidemia. Last evaluated: 2025-02-27. Review status: criteria provided, single submitter. Criteria: Invitae Variant Classification Sherloc (09022015). Collection method: clinical testing. Allele origin: germline.
Comment: This variant results in the deletion of part of exon 1 (c.155_183+17del) of the PCCB gene. It is expected to disrupt RNA splicing. Variants that disrupt the donor or acceptor splice site typically lead to a loss of protein function (PMID: 16199547), and loss-of-function variants in PCCB are known to be pathogenic (PMID: 15464417). This variant is not present in population databases (gnomAD no frequency). This variant has been observed in individuals with propionic acidemia (PMID: 17051315, 22033733). This variant is also known as c.154_183+17del46. ClinVar contains an entry for this variant (Variation ID: 987105). For these reasons, this variant has been classified as Pathogenic.

Baylor Genetics
Classification: Pathogenic for Propionic acidemia. Last evaluated: 2023-04-13. Review status: criteria provided, single submitter. Criteria: ACMG Guidelines, 2015. Collection method: clinical testing. Allele origin: unknown.

Women's Health and Genetics/Laboratory Corporation of America, LabCorp
Classification: Likely pathogenic for Propionic acidemia. Last evaluated: 2022-03-28. Review status: criteria provided, single submitter. Criteria: LabCorp Variant Classification Summary - May 2015. Collection method: clinical testing. Allele origin: germline.
Comment: Variant summary: PCCB c.155_183+17del46 is located in a canonical splice-site and is predicted to affect mRNA splicing resulting in a significantly altered protein due to either exon skipping, shortening, or inclusion of intronic material. Several computational tools predict a significant impact on normal splicing: Four predict the variant abolishes a 5 splicing donor site. However, these predictions have yet to be confirmed by functional studies. The variant was absent in 242030 control chromosomes (gnomAD). c.155_183+17del46 has been reported in the literature in at least one individual affected with Propionic Acidemia (Desviat_2006). These data indicate that the variant may be associated with disease. To our knowledge, no experimental evidence demonstrating an impact on protein function has been reported. One ClinVar submitter (evaluation after 2014) cites the variant as pathogenic. Based on the evidence outlined above, the variant was classified as likely pathogenic.

Institute of Medical Genetics and Applied Genomics, University Hospital Tübingen
Classification: Pathogenic. Last evaluated: 2020-10-23. Review status: criteria provided, single submitter. Criteria: ACMG Guidelines, 2015. Collection method: clinical testing. Allele origin: germline. Inheritance: Unknown mechanism. Affected: yes.

Literature cited by the submitters: PubMed 16199547 (cited by Labcorp Genetics (formerly Invitae), Labcorp); PubMed 15464417 (cited by Labcorp Genetics (formerly Invitae), Labcorp); PubMed 17051315 (cited by Labcorp Genetics (formerly Invitae), Labcorp and Women's Health and Genetics/Laboratory Corporation of America, LabCorp); PubMed 22033733 (cited by Labcorp Genetics (formerly Invitae), Labcorp and Women's Health and Genetics/Laboratory Corporation of America, LabCorp); PubMed 29033250 (cited by Women's Health and Genetics/Laboratory Corporation of America, LabCorp).